The following is an entry in ClinVar:

ClinVar aggregate classification (germline): Benign (0 of 4 stars; one submission).

Conditions:
CBLB-related disorder. Also called: CBLB-related condition.

Allele frequency attached by ClinVar (database versions not stated): gnomAD exomes 0.00065; ExAC 0.00174; 1000 Genomes Project 0.00539; gnomAD 0.00604; 1000 Genomes Project 30x 0.00609; TOPMed 0.00669; ESP Exome Variant Server 0.00746.
gnomAD v4.1: 1,883 of 1,613,230 alleles (0.12%); highest among the groups gnomAD compares: African/African-American, 2.1%; 22 homozygotes.

Submission:

PreventionGenetics, part of Exact Sciences
Classification: Benign for CBLB-related condition. Last evaluated: 2019-10-28. Review status: no assertion criteria provided. Collection method: clinical testing. Allele origin: germline.
Comment: This variant is classified as benign based on ACMG/AMP sequence variant interpretation guidelines (Richards et al. 2015 PMID: 25741868, with internal and published modifications).

NM_170662.5(CBLB):c.2682A>G (p.Ser894=)

Gene: CBLB (Cbl proto-oncogene B; minus strand). Cytogenetic location: 3q13.11.
Variant type: single nucleotide variant.
Coding change: c.2682A>G on transcript NM_170662.5 (MANE Select); coding-DNA position 2682, A replaced by G.
Protein change: p.Ser894=; no amino-acid change (serine 894 retained).
Molecular consequence: synonymous variant. On other transcripts: non-coding transcript variant (7).
Genome position (GRCh38, 1-based): chr3:105,670,240, T>C on the plus strand (A>G on the coding strand, the complement: CBLB is on the minus strand). VCF-style: chr3-105670240-T-C. GRCh37 (hg19) VCF-style: chr3-105389084-T-C.
Other names: c.2766A>G, p.Ser922= (NM_001321786.1); c.2682A>G, p.Ser894= (NM_001321788.2); c.2619A>G, p.Ser873= (NM_001321789.1); c.2616A>G, p.Ser872= (NM_001321790.2); c.2550A>G, p.Ser850= (NM_001321791.2, NM_001321793.2); c.2535A>G, p.Ser845= (NM_001321794.2, NM_001321795.2, NM_001321796.2); c.2403A>G, p.Ser801= (NM_001321797.2, NM_001321798.2, NM_001321799.2); c.1902A>G, p.Ser634= (NM_001321806.2, NM_001321807.2); and 5 more.
Identifiers: ClinVar variation 3038686 (VCV003038686.2), dbSNP rs114781701, ClinGen allele CA2524395.